The following is an entry in ClinVar:

ClinVar aggregate classification (germline): Uncertain significance (1 of 4 stars; one submission).

Conditions:
Familial adenomatous polyposis 2. Also called: COLORECTAL ADENOMATOUS POLYPOSIS, AUTOSOMAL RECESSIVE; ADENOMAS, MULTIPLE COLORECTAL, AUTOSOMAL RECESSIVE; Adenomas, multiple colorectal; MYH-associated polyposis; MUTYH-associated polyposis; MUTYH-related attenuated familial adenomatous polyposis. Identifiers: Orphanet 220460, Orphanet 247798, MedGen C3272841, MONDO:0012041, OMIM 608456.

Submission:

Labcorp Genetics (formerly Invitae), Labcorp
Classification: Uncertain significance for Familial adenomatous polyposis 2. Last evaluated: 2022-06-12. Review status: criteria provided, single submitter. Criteria: Invitae Variant Classification Sherloc (09022015). Collection method: clinical testing. Allele origin: germline.
Comment: In summary, the available evidence is currently insufficient to determine the role of this variant in disease. Therefore, it has been classified as a Variant of Uncertain Significance. Algorithms developed to predict the effect of sequence changes on RNA splicing suggest that this variant may create or strengthen a splice site. This variant has not been reported in the literature in individuals affected with MUTYH-related conditions. This variant is not present in population databases (gnomAD no frequency). This sequence change falls in intron 10 of the MUTYH gene. It does not directly change the encoded amino acid sequence of the MUTYH protein.

NM_001048174.2(MUTYH):c.850-20C>G

Gene: MUTYH (mutY DNA glycosylase; minus strand). Cytogenetic location: 1p34.1.
Variant type: single nucleotide variant.
Coding change: c.850-20C>G on transcript NM_001048174.2 (MANE Select); 20 bases into the intron before coding-DNA position 850, C replaced by G.
Molecular consequence: intron variant.
Genome position (GRCh38, 1-based): chr1:45,332,106, G>C on the plus strand (C>G on the coding strand, the complement: MUTYH is on the minus strand). VCF-style: chr1-45332106-G-C. GRCh37 (hg19) VCF-style: chr1-45797778-G-C.
Other names: c.505-20C>G (NM_001350651.2, NM_001350650.2); c.574-20C>G (NM_001293192.2, NM_001293196.2); c.850-20C>G (NM_001048171.2, NM_001048173.2, NM_001293195.2); c.895-20C>G (NM_001293190.2); c.925-20C>G (NM_012222.3); c.934-20C>G (NM_001128425.2); c.853-20C>G (NM_001048172.2); c.883-20C>G (NM_001293191.2).
Identifiers: ClinVar variation 2005127 (VCV002005127.4), dbSNP rs910410849, ClinGen allele CA21836807.
Genomic context (GRCh38, chr1:45,332,106, plus strand): 5'-CCCGACAGGCTCCCTGAGGCTAAGAGCTGTTCCTGCTCCACCTGAGAGGCACAGGGTTGA[G>C]TGTCATAGGGCAGAGTCACTCCTTAGGACTTCTCACTGCCCCTTCCCCAGTAGGCTTACT-3'